The following is an entry in ClinVar:

ClinVar aggregate classification (germline): Uncertain significance (1 of 4 stars; one submission).

Conditions:
Adams-Oliver syndrome 5 (AOS5). Identifiers: Orphanet 974, MedGen C4014970, MONDO:0014459, OMIM 616028.

Allele frequency attached by ClinVar (database versions not stated): gnomAD exomes below 0.00001.
gnomAD v4.1: 1 of 1,610,286 alleles (0.000062%); highest among the groups gnomAD compares: Non-Finnish European, 0.000085%; no homozygotes.

Submission:

Labcorp Genetics (formerly Invitae), Labcorp
Classification: Uncertain significance for Adams-Oliver syndrome 5. Last evaluated: 2022-05-22. Review status: criteria provided, single submitter. Criteria: Invitae Variant Classification Sherloc (09022015). Collection method: clinical testing. Allele origin: germline.
Comment: This variant has not been reported in the literature in individuals affected with NOTCH1-related conditions. In summary, the available evidence is currently insufficient to determine the role of this variant in disease. Therefore, it has been classified as a Variant of Uncertain Significance. Advanced modeling of protein sequence and biophysical properties (such as structural, functional, and spatial information, amino acid conservation, physicochemical variation, residue mobility, and thermodynamic stability) performed at Invitae indicates that this missense variant is not expected to disrupt NOTCH1 protein function. This variant is not present in population databases (gnomAD no frequency). This sequence change replaces proline, which is neutral and non-polar, with serine, which is neutral and polar, at codon 2517 of the NOTCH1 protein (p.Pro2517Ser).

NM_017617.5(NOTCH1):c.7549C>T (p.Pro2517Ser)

Gene: NOTCH1 (notch receptor 1; minus strand). Cytogenetic location: 9q34.3.
Variant type: single nucleotide variant.
Coding change: c.7549C>T on transcript NM_017617.5 (MANE Select); coding-DNA position 7549, C replaced by T.
Protein change: p.Pro2517Ser; replaces proline 2517 with serine.
Molecular consequence: missense variant.
Genome position (GRCh38, 1-based): chr9:136,496,190, G>A on the plus strand (C>T on the coding strand, the complement: NOTCH1 is on the minus strand). VCF-style: chr9-136496190-G-A. GRCh37 (hg19) VCF-style: chr9-139390642-G-A.
Other names: short protein forms P2517S.
Identifiers: ClinVar variation 1998000 (VCV001998000.4), dbSNP rs2133314214, ClinGen allele CA375625964.
Genomic context (GRCh38, chr9:136,496,190, plus strand): 5'-AGACGCCCTCGGACCAGTCGGAGACGTTGGAATGCGGGGACGAGCTGGACCACTGGTCAG[G>A]GGACTCAGGGGACGGGGTGAGGAAGGGGTGCTCAGGCACCTGTAGCTGGTGGCTGGGGGT-3'
Protein context (NP_060087.3, residues 2507-2527): HPFLTPSPES[Pro2517Ser]DQWSSSSPHS